The following is an entry in ClinVar:

NM_002506.3(NGF):c.706A>C (p.Lys236Gln)

Genes: NGF (nerve growth factor; minus strand), NGF-AS1 (NGF antisense RNA 1; plus strand). Cytogenetic location: 1p13.2.
Variant type: single nucleotide variant.
Coding change: c.706A>C on transcript NM_002506.3 (MANE Select); coding-DNA position 706, A replaced by C.
Protein change: p.Lys236Gln; replaces lysine 236 with glutamine.
Molecular consequence: missense variant.
Genome position (GRCh38, 1-based): chr1:115,286,090, T>G on the plus strand (A>C on the coding strand, the complement: NGF is on the minus strand). VCF-style: chr1-115286090-T-G. GRCh37 (hg19) VCF-style: chr1-115828711-T-G.
Other names: short protein forms K236Q.
Identifiers: ClinVar variation 456636 (VCV000456636.9), dbSNP rs561107153, ClinGen allele CA1022927.

ClinVar aggregate classification (germline): Uncertain significance (1 of 4 stars; one submission).

Conditions:
Congenital sensory neuropathy with selective loss of small myelinated fibers (HSAN5). Also called: HSAN Type V. Identifiers: Orphanet 64752, MedGen C0020075, MONDO:0012092, OMIM 608654.

Allele frequency attached by ClinVar (database versions not stated): 1000 Genomes Project 30x 0.00031; 1000 Genomes Project 0.00040; gnomAD exomes below 0.00001 and 0.00001; gnomAD 0.00001; ExAC 0.00002.
gnomAD v4.1: 4 of 1,613,420 alleles (0.00025%); highest among the groups gnomAD compares: South Asian, 0.0044%; no homozygotes.

Submission:

Labcorp Genetics (formerly Invitae), Labcorp
Classification: Uncertain significance for Congenital sensory neuropathy with selective loss of small myelinated fibers. Last evaluated: 2022-11-22. Review status: criteria provided, single submitter. Criteria: Invitae Variant Classification Sherloc (09022015). Collection method: clinical testing. Allele origin: germline.
Comment: In summary, the available evidence is currently insufficient to determine the role of this variant in disease. Therefore, it has been classified as a Variant of Uncertain Significance. Algorithms developed to predict the effect of missense changes on protein structure and function are either unavailable or do not agree on the potential impact of this missense change (SIFT: "Deleterious"; PolyPhen-2: "Benign"; Align-GVGD: "Class C0"). ClinVar contains an entry for this variant (Variation ID: 456636). This variant has not been reported in the literature in individuals affected with NGF-related conditions. This variant is present in population databases (rs561107153, gnomAD 0.007%). This sequence change replaces lysine, which is basic and polar, with glutamine, which is neutral and polar, at codon 236 of the NGF protein (p.Lys236Gln).